The following is an entry in ClinVar:

NM_000528.4(MAN2B1):c.2849G>C (p.Arg950Pro)

Gene: MAN2B1 (mannosidase alpha class 2B member 1; minus strand). Cytogenetic location: 19p13.13.
Variant type: single nucleotide variant.
Coding change: c.2849G>C on transcript NM_000528.4 (MANE Select); coding-DNA position 2849, G replaced by C.
Protein change: p.Arg950Pro; replaces arginine 950 with proline.
Molecular consequence: missense variant.
Genome position (GRCh38, 1-based): chr19:12,647,307, C>G on the plus strand (G>C on the coding strand, the complement: MAN2B1 is on the minus strand). VCF-style: chr19-12647307-C-G. GRCh37 (hg19) VCF-style: chr19-12758121-C-G.
Other names: c.2846G>C, p.Arg949Pro (NM_001173498.2); short protein forms R950P, R949P.
Identifiers: ClinVar variation 208279 (VCV000208279.3), dbSNP rs139041112, ClinGen allele CA350975.

ClinVar aggregate classification (germline): Conflicting classifications of pathogenicity. Review status: criteria provided, conflicting classifications (1 of 4 stars). 3 submissions from 3 submitters: Likely pathogenic (1); Uncertain significance (1). 1 of the submissions does not count toward it. Last evaluated 2024-10-19.

Conditions:
Deficiency of alpha-mannosidase (MANSA). Also called: LYSOSOMAL ALPHA-D-MANNOSIDASE DEFICIENCY; Mannosidosis, alpha-, types I and II; Alpha-Mannosidosis. Identifiers: Orphanet 61, MedGen C0024748, MONDO:0009561, OMIM 248500.

gnomAD v4.1: 1 of 1,614,080 alleles (0.000062%); highest among the groups gnomAD compares: Non-Finnish European, 0.000085%; no homozygotes.

Submissions (3):

3billion
Classification: Likely pathogenic for Deficiency of alpha-mannosidase. Last evaluated: 2024-10-19. Review status: criteria provided, single submitter. Criteria: ACMG Guidelines, 2015. Collection method: clinical testing. Allele origin: germline. Affected: yes.
Comment: The variant is observed at an extremely low frequency in the gnomAD v4.1.0 dataset (total allele frequency: <0.001%). Predicted Consequence/Location: Missense variant. The majority of the known disease-causing variants of this gene are variants expected to result in premature termination of the protein. In silico tools predict the variant to alter splicing and produce an abnormal transcript [SpliceAI: 0.30 (>=0.2, moderate evidence for spliceogenicity)]. The same nucleotide change resulting in the same amino acid change has been previously reported to be associated with MAN2B1 related disorder (PMID: 22161967). The variant has been reported to be in trans with a pathogenic variant as either compound heterozygous or homozygous in at least one similarly affected unrelated individual (PMID: 22161967). Therefore, this variant is classified as Likely pathogenic according to the recommendation of ACMG/AMP guideline.

Fulgent Genetics
Classification: Uncertain significance for Deficiency of alpha-mannosidase. Last evaluated: 2021-10-22. Review status: criteria provided, single submitter. Criteria: ACMG Guidelines, 2015. Collection method: clinical testing. Allele origin: unknown.

ClinVar Staff, National Center for Biotechnology Information (NCBI)
Classification: Uncertain significance for Deficiency of alpha-mannosidase. Last evaluated: 2012-06-07. Review status: no assertion criteria provided. Collection method: literature only. Allele origin: germline. Affected: yes. Not counted in ClinVar's aggregate classification.

Literature cited by the submitters: PubMed 22161967 (cited by 3billion and ClinVar Staff, National Center for Biotechnology Information (NCBI)).